The following is an entry in ClinVar:

NM_199420.4(POLQ):c.2341T>C (p.Phe781Leu)

Gene: POLQ (DNA polymerase theta; minus strand). Cytogenetic location: 3q13.33.
Variant type: single nucleotide variant.
Coding change: c.2341T>C on transcript NM_199420.4 (MANE Select); coding-DNA position 2341, T replaced by C.
Protein change: p.Phe781Leu; replaces phenylalanine 781 with leucine.
Molecular consequence: missense variant.
Genome position (GRCh38, 1-based): chr3:121,493,659, A>G on the plus strand (T>C on the coding strand, the complement: POLQ is on the minus strand). VCF-style: chr3-121493659-A-G. GRCh37 (hg19) VCF-style: chr3-121212506-A-G.
Other names: short protein forms F781L.
Identifiers: ClinVar variation 1789878 (VCV001789878.2), dbSNP rs2546790818, ClinGen allele CA354108146.

ClinVar aggregate classification (germline): Uncertain significance (1 of 4 stars; one submission).

Submission:

Ambry Genetics
Classification: Uncertain significance. Last evaluated: 2022-05-06. Review status: criteria provided, single submitter. Criteria: Ambry Variant Classification Scheme 2023. Collection method: clinical testing. Allele origin: germline.
Comment: The p.F781L variant (also known as c.2341T>C), located in coding exon 15 of the POLQ gene, results from a T to C substitution at nucleotide position 2341. The phenylalanine at codon 781 is replaced by leucine, an amino acid with highly similar properties. This amino acid position is conserved. In addition, this alteration is predicted to be tolerated by in silico analysis. Since supporting evidence is limited at this time, the clinical significance of this alteration remains unclear.